The following is an entry in ClinVar:

ClinVar aggregate classification (germline): Conflicting classifications of pathogenicity. Review status: criteria provided, conflicting classifications (1 of 4 stars). 5 submissions from 5 submitters: Likely pathogenic (3); Uncertain significance (1). 1 of the submissions does not count toward it. Last evaluated 2025-07-25.

Conditions:
Pontocerebellar hypoplasia type 2E. Identifiers: Orphanet 247198, MedGen C4014488, MONDO:0014370, OMIM 615851.

Allele frequency attached by ClinVar (database versions not stated): gnomAD 0.00003 and 0.00004; TOPMed 0.00002; gnomAD exomes 0.00003; ESP Exome Variant Server 0.00016; ExAC 0.00002.

Submissions (5):

Women's Health and Genetics/Laboratory Corporation of America, LabCorp
Classification: Uncertain significance. Last evaluated: 2025-07-25. Review status: criteria provided, single submitter. Criteria: LabCorp Variant Classification Summary - May 2015. Collection method: clinical testing. Allele origin: germline.
Comment: Variant summary: VPS53 c.1312_1313+2delAAGT is located in a canonical splice-site and is predicted to affect mRNA splicing resulting in a significantly altered protein due to either exon skipping, shortening, or inclusion of intronic material. Variants that disrupt the consensus splice site are a relatively common cause of aberrant splicing, however current evidence is not sufficient to establish loss of function as a mechanism for disease. Several computational tools predict a significant impact on normal splicing: Four predict the variant abolishes a canonical 5' splicing donor site. However, these predictions have yet to be confirmed by functional studies. The variant allele was found at a frequency of 2.8e-05 in 251362 control chromosomes (gnomAD). The available data on variant occurrences in the general population are insufficient to allow any conclusion about variant significance. To our knowledge, no occurrence of c.1312_1313+2delAAGT in individuals affected with Pontocerebellar Hypoplasia, Type 2E and no experimental evidence demonstrating its impact on protein function have been reported. ClinVar contains an entry for this variant (Variation ID: 554119). Based on the evidence outlined above, the variant was classified as uncertain significance.

Dasa
Classification: Likely pathogenic. Last evaluated: 2025-05-28. Review status: criteria provided, single submitter. Criteria: DASA Assertion Criteria. Collection method: clinical testing. Allele origin: germline.
Comment: NM_001128159.3(VPS53):c.1312_1313+2del affects a canonical splice site and is predicted to disrupt normal RNA splicing. Loss of function is an established disease mechanism for VPS53-associated disorders. Also, this variant is rare in population databases. Based on the currently available evidence, this variant is classified as likely pathogenic.

Fulgent Genetics
Classification: Likely pathogenic for Pontocerebellar hypoplasia type 2E. Last evaluated: 2023-12-29. Review status: criteria provided, single submitter. Criteria: ACMG Guidelines, 2015. Collection method: clinical testing. Allele origin: germline.

GeneDx
Classification: Likely pathogenic. Last evaluated: 2022-09-14. Review status: criteria provided, single submitter. Criteria: GeneDx Variant Classification Process June 2021. Collection method: clinical testing. Allele origin: germline. Affected: yes.
Comment: Not observed at significant frequency in large population cohorts (gnomAD); Canonical splice site variant in a gene or region of a gene for which loss of function is not a well-established mechanism of disease; Has not been previously published as pathogenic or benign to our knowledge

Counsyl
Classification: Likely pathogenic for Pontocerebellar hypoplasia type 2E. Last evaluated: 2017-09-27. Review status: no assertion criteria provided. Collection method: clinical testing. Allele origin: unknown. Not counted in ClinVar's aggregate classification.

NM_001128159.3(VPS53):c.1312_1313+2del

Gene: VPS53 (VPS53 subunit of GARP complex; minus strand). Cytogenetic location: 17p13.3.
Variant type: Deletion.
Coding change: c.1312_1313+2del on transcript NM_001128159.3 (MANE Select); coding-DNA position 1312 through the canonical splice donor site of the intron after coding-DNA position 1313, 4 bases deleted (AAGT; older notation c.1312_1313+2delAAGT).
Molecular consequence: splice donor variant.
Genome position (GRCh38, 1-based): chr17:586,268-586,271, ACTT deleted on the plus strand (AAGT on the coding strand, the reverse complement: VPS53 is on the minus strand). VCF-style (leftmost placement, unchanged base first): chr17-586267-CACTT-C. GRCh37 (hg19) VCF-style: chr17-489507-CACTT-C.
Other names: c.1225_1226+2del (NM_018289.4); c.1312_1313+2del (NM_001366253.2); c.718_719+2del (NM_001366254.2); c.1312_1313+2delAAGT (NM_001128159.3).
Identifiers: ClinVar variation 554119 (VCV000554119.12), dbSNP rs768997239, ClinGen allele CA8261463.
Genomic context (GRCh38, chr17:586,267, plus strand): 5'-GACCCAGTCATGACCAGAGCGGCGAGAAATGCAGGCAGAAAACAGCGAATGTTCCTCACT[CACTT>C]GTCTTGGGATTCGATATACACGTAGAGATGAGGCTCAAAACACTTGGAAACAATGCCATG-3'